The following is an entry in ClinVar:

NM_006545.5(NPRL2):c.932+30G>A

Gene: NPRL2 (NPR2 like, GATOR1 complex subunit; minus strand). Cytogenetic location: 3p21.31.
Variant type: single nucleotide variant.
Coding change: c.932+30G>A on transcript NM_006545.5 (MANE Select); 30 bases into the intron after coding-DNA position 932, G replaced by A.
Molecular consequence: intron variant.
Genome position (GRCh38, 1-based): chr3:50,348,094, C>T on the plus strand (G>A on the coding strand, the complement: NPRL2 is on the minus strand). VCF-style: chr3-50348094-C-T. GRCh37 (hg19) VCF-style: chr3-50385525-C-T.
Identifiers: ClinVar variation 4534788 (VCV004534788.6).

ClinVar aggregate classification (germline): Likely benign (1 of 4 stars; one submission).

gnomAD v4.1: 161 of 1,611,866 alleles (0.01%); highest among the groups gnomAD compares: Admixed American, 0.22%; no homozygotes.

Submission:

CeGaT Center for Human Genetics Tuebingen
Classification: Likely benign. Last evaluated: 2026-08-01. Review status: criteria provided, single submitter. Criteria: CeGaT Center For Human Genetics Tuebingen Variant Classification Criteria Version 2. Collection method: clinical testing. Allele origin: germline. Affected: yes. Observed: 4 variant alleles.
Comment: NPRL2: BS1